The following is an entry in ClinVar:

NM_001022.4(RPS19):c.72-1G>A

Genes: RPS19 (ribosomal protein S19; plus strand), RPS19-CD79A (RPS19-CD79A readthrough; plus strand). Cytogenetic location: 19q13.2.
Variant type: single nucleotide variant.
Coding change: c.72-1G>A on transcript NM_001022.4 (MANE Select); the canonical splice acceptor site of the intron before coding-DNA position 72, G replaced by A.
Molecular consequence: splice acceptor variant.
Genome position (GRCh38, 1-based): chr19:41,861,111, G>A. VCF-style: chr19-41861111-G-A. GRCh37 (hg19) VCF-style: chr19-42365180-G-A.
Other names: c.72-1G>A (NM_001321484.2, NM_001321485.2, NM_001321483.2).
Identifiers: ClinVar variation 647481 (VCV000647481.9), dbSNP rs146366047, ClinGen allele CA308589004.
Genomic context (GRCh38, chr19:41,861,111, plus strand): 5'-GGGATATGGGGTAGTTTGTGGAGATGACTGAATCGTGCTTTTCCCACTGTTTTGGTCTTA[G>A]GTCCGGGAAGCTGAAAGTCCCCGAATGGGTGGATACCGTCAAGCTGGCCAAGCACAAAGA-3'

ClinVar aggregate classification (germline): Likely pathogenic (1 of 4 stars; one submission).

Conditions:
Diamond-Blackfan anemia. Also called: Blackfan Diamond syndrome; Aregenerative anemia chronic congenital; Red cell aplasia, pure hereditary; Congenital hypoplastic anemia; Aase syndrome. Identifiers: Orphanet 124, MedGen C1260899, MeSH D029503, MONDO:0015253, HP:0004810.

Submission:

Labcorp Genetics (formerly Invitae), Labcorp
Classification: Likely pathogenic for Diamond-Blackfan anemia. Last evaluated: 2018-12-17. Review status: criteria provided, single submitter. Criteria: Invitae Variant Classification Sherloc (09022015). Collection method: clinical testing. Allele origin: germline.
Comment: In summary, the currently available evidence indicates that the variant is pathogenic, but additional data are needed to prove that conclusively. Therefore, this variant has been classified as Likely Pathogenic. Donor and acceptor splice site variants typically lead to a loss of protein function (PMID: 16199547), and loss-of-function variants in RPS19 are known to be pathogenic (PMID: 20960466). Algorithms developed to predict the effect of sequence changes on RNA splicing suggest that this variant may disrupt the consensus splice site, but this prediction has not been confirmed by published transcriptional studies. Variants that disrupt this splice site has been observed in individuals affected with Diamond-Blackfan anemia (PMID: 19689926, 20960466, Invitae). This variant is not present in population databases (ExAC no frequency). This sequence change affects an acceptor splice site in intron 2 of the RPS19 gene. It is expected to disrupt RNA splicing and likely results in an absent or disrupted protein product.

Literature cited by the submitters: PubMed 16199547; PubMed 20960466; PubMed 19689926.